The following is an entry in ClinVar:

NM_000350.3(ABCA4):c.3602T>G (p.Leu1201Arg)

Gene: ABCA4 (ATP binding cassette subfamily A member 4; minus strand). Cytogenetic location: 1p22.1.
Variant type: single nucleotide variant.
Coding change: c.3602T>G on transcript NM_000350.3 (MANE Select); coding-DNA position 3602, T replaced by G.
Protein change: p.Leu1201Arg; replaces leucine 1201 with arginine.
Molecular consequence: missense variant.
Genome position (GRCh38, 1-based): chr1:94,040,048, A>C on the plus strand (T>G on the coding strand, the complement: ABCA4 is on the minus strand). VCF-style: chr1-94040048-A-C. GRCh37 (hg19) VCF-style: chr1-94505604-A-C.
Other names: c.3380T>G, p.Leu1127Arg (NM_001425324.1); short protein forms L1201R, L1127R.
Identifiers: ClinVar variation 7903 (VCV000007903.33), dbSNP rs61750126, ClinGen allele CA119137.

ClinVar aggregate classification (germline): Benign/Likely benign. Review status: criteria provided, multiple submitters, no conflicts (2 of 4 stars). 15 submissions from 15 submitters: Benign (4); Likely benign (5). 6 of the submissions do not count toward it. Last evaluated 2026-06-26.

Conditions:
ABCA4-related disorder. Also called: ABCA4-related disorders; ABCA4-related condition. Identifiers: MedGen CN239167.
Retinal dystrophy. Also called: Inherited retinal dystrophy. Identifiers: Orphanet 71862, MedGen C0854723, MeSH D058499, MONDO:0019118, HP:0000556.
Cone-rod dystrophy 3 (CORD3). Identifiers: Orphanet 1872, MedGen C1858806, MONDO:0011395, OMIM 604116.
Severe early-childhood-onset retinal dystrophy (STGD1). Also called: Stargardt macular dystrophy; Juvenile onset macular degeneration; Stargardt disease 1; MACULAR DYSTROPHY WITH FLECKS, TYPE 1; STGD. Identifiers: Orphanet 364055, Orphanet 827, MedGen C1855465, MeSH D000080362, MONDO:0009549, OMIM 248200.

Allele frequency attached by ClinVar (database versions not stated): gnomAD exomes 0.00258 and 0.00667; gnomAD 0.02687 and 0.02895; TOPMed 0.02942; 1000 Genomes Project 30x 0.02983; ExAC 0.01364; 1000 Genomes Project 0.02915.
gnomAD v4.1: 7,989 of 1,603,546 alleles (0.5%); highest among the groups gnomAD compares: African/African-American, 9.5%; 369 homozygotes.

Submissions (15):

Women's Health and Genetics/Laboratory Corporation of America, LabCorp
Classification: Likely benign. Last evaluated: 2026-06-26. Review status: criteria provided, single submitter. Criteria: LabCorp Variant Classification Summary - May 2015. Collection method: clinical testing. Allele origin: germline.

Labcorp Genetics (formerly Invitae), Labcorp
Classification: Benign. Last evaluated: 2026-02-01. Review status: criteria provided, single submitter. Criteria: Invitae Variant Classification Sherloc (09022015). Collection method: clinical testing. Allele origin: germline.

Blueprint Genetics
Classification: Likely benign. Last evaluated: 2024-11-15. Review status: criteria provided, single submitter. Criteria: ACMG Guidelines, 2015. Collection method: clinical testing. Allele origin: germline.

ARUP Laboratories, Molecular Genetics and Genomics, ARUP Laboratories
Classification: Benign. Last evaluated: 2023-09-21. Review status: criteria provided, single submitter. Criteria: ARUP Molecular Germline Variant Investigation Process 2024. Collection method: clinical testing. Allele origin: germline.

Institute of Human Genetics, Univ. Regensburg, Univ. Regensburg
Classification: Likely benign for Retinal dystrophy. Last evaluated: 2023-01-01. Review status: criteria provided, single submitter. Criteria: ACMG Guidelines, 2015. Collection method: clinical testing. Allele origin: germline. Affected: yes.

Mendelics
Classification: Likely benign for Severe early-childhood-onset retinal dystrophy. Last evaluated: 2019-05-28. Review status: criteria provided, single submitter. Criteria: Mendelics Assertion Criteria 2017. Collection method: clinical testing. Allele origin: unknown.

Illumina Laboratory Services, Illumina
Classification: Likely benign for ABCA4-Related Disorders. Last evaluated: 2017-04-27. Review status: criteria provided, single submitter. Criteria: ICSL Variant Classification Criteria 13 December 2019. Collection method: clinical testing. Allele origin: germline.
Comment: This variant was observed as part of a predisposition screen in an ostensibly healthy population. A literature search was performed for the gene, cDNA change, and amino acid change (where applicable). No publications were found based on this search. Allele frequency data from public databases allowed determination this variant is unlikely to cause disease. Therefore, this variant is classified as likely benign.

Eurofins Ntd Llc (ga)
Classification: Benign. Last evaluated: 2015-03-05. Review status: criteria provided, single submitter. Criteria: EGL Classification Definitions 2015. Collection method: clinical testing. Allele origin: germline. Observed: 1 variant allele, 1 heterozygote.

GeneDx
Classification: Benign. Last evaluated: 2015-03-03. Review status: criteria provided, single submitter. Criteria: GeneDx Variant Classification Process June 2021. Collection method: clinical testing. Allele origin: germline. Affected: yes.
Comment: This variant is associated with the following publications: (PMID: 28559085, 20647261, 29925512, 25066811, 24011517, 23982839, 27884173, 9973280, 25097241, 16123440, 19074458, 20981092)

Clinical Genetics, Academic Medical Center
Classification: Likely benign. Review status: no assertion criteria provided. Collection method: clinical testing. Allele origin: germline. Affected: yes. Study: VKGL Data-share Consensus. Not counted in ClinVar's aggregate classification.

Department of Pathology and Laboratory Medicine, Sinai Health System
Classification: Benign. Review status: no assertion criteria provided. Collection method: clinical testing. Allele origin: unknown. Affected: yes. Study: The Canadian Open Genetics Repository (COGR). Not counted in ClinVar's aggregate classification.
Comment: The ABCA4 p.Leu1201Arg variant was identified in 19 of 988 proband chromosomes (frequency: 0.019) from individuals or families with Stargardt disease and cone-rod dystrophy (Schulz_2017_PMID:28118664; Utz_2013_PMID:24011517; Zernant_2014_PMID:25066811; Fishman_2003_PMID:12796258). The variant was identified in dbSNP (ID: rs61750126), ClinVar (classified as benign by EGL Genetics, likely benign by Illumina and likely pathogenic by Institute of Human Genetics, Univ. Regensburg) and LOVD 3.0 (classified as a VUS and likely benign). The variant was also identified in control databases in 2402 of 266312 chromosomes (114 homozygous) at a frequency of 0.009019 increasing the likelihood this could be a low frequency benign variant (Genome Aggregation Database Feb 27, 2017). The variant was observed in the following populations: African in 2219 of 23326 chromosomes (freq: 0.09513), Other in 32 of 6916 chromosomes (freq: 0.004627), Latino in 133 of 34270 chromosomes (freq: 0.003881), European (non-Finnish) in 16 of 120738 chromosomes (freq: 0.000133) and South Asian in 2 of 28188 chromosomes (freq: 0.000071), while the variant was not observed in the Ashkenazi Jewish, East Asian or European (Finnish) populations. The p.Leu1201 residue is conserved in mammals and computational analyses (PolyPhen-2, SIFT, AlignGVGD, BLOSUM, MutationTaster) provide inconsistent predictions regarding the impact to the protein; this information is not very predictive of pathogenicity. The variant occurs outside of the splicing consensus sequence and in silico or computational prediction software programs (SpliceSiteFinder, MaxEntScan, NNSPLICE, GeneSplicer) do not predict a difference in splicing. In summary, based on the above information this variant meets our laboratory's criteria to be classified as benign.

Joint Genome Diagnostic Labs from Nijmegen and Maastricht, Radboudumc and MUMC+
Classification: Benign. Review status: no assertion criteria provided. Collection method: clinical testing. Allele origin: germline. Affected: yes. Study: VKGL Data-share Consensus. Not counted in ClinVar's aggregate classification.

Ophthalmo-Genetics Lab, Instituto de Oftalmologia Conde de Valenciana
Classification: Benign for Severe early-childhood-onset retinal dystrophy. Review status: no assertion criteria provided. Collection method: research. Allele origin: germline. Inheritance: Autosomal recessive inheritance. Affected: yes. Not counted in ClinVar's aggregate classification.

Retina International
No classification provided. Review status: no classification provided. Collection method: not provided. Allele origin: unknown. Not counted in ClinVar's aggregate classification.

OMIM
Classification: Pathogenic for CONE-ROD DYSTROPHY 3. Last evaluated: 2003-06-01. Review status: flagged submission. Collection method: literature only. Allele origin: germline. Not counted in ClinVar's aggregate classification.
ClinVar note: Reason: Outlier claim with insufficient supporting evidence

Literature cited by the submitters: PubMed 28118664 (cited by Institute of Human Genetics, Univ. Regensburg, Univ. Regensburg); PubMed 23982839 (cited by Eurofins Ntd Llc (ga)); PubMed 24011517 (cited by Eurofins Ntd Llc (ga) and Ophthalmo-Genetics Lab, Instituto de Oftalmologia Conde de Valenciana); PubMed 25066811 (cited by Eurofins Ntd Llc (ga)); PubMed 12796258 (cited by OMIM).